The following is an entry in ClinVar:

ClinVar aggregate classification (germline): Conflicting classifications of pathogenicity. Review status: criteria provided, conflicting classifications (1 of 4 stars). 4 submissions from 4 submitters: Uncertain significance (3); Likely benign (1). Last evaluated 2025-05-05.

Conditions:
Colorectal cancer, susceptibility to, 1. Also called: COLORECTAL ADENOMA AND CANCER, SUSCEPTIBILITY TO; COLORECTAL CANCER, SUSCEPTIBILITY TO, ON CHROMOSOME 9. Identifiers: MedGen C1837315, MONDO:0012132, OMIM 608812.

Submissions (4):

Labcorp Genetics (formerly Invitae), Labcorp
Classification: Uncertain significance. Last evaluated: 2025-05-05. Review status: criteria provided, single submitter. Criteria: Invitae Variant Classification Sherloc (09022015). Collection method: clinical testing. Allele origin: germline.
Comment: This sequence change replaces proline, which is neutral and non-polar, with leucine, which is neutral and non-polar, at codon 50 of the GALNT12 protein (p.Pro50Leu). The frequency data for this variant in the population databases is considered unreliable, as metrics indicate insufficient coverage at this position in the gnomAD database. This variant has not been reported in the literature in individuals affected with GALNT12-related conditions. ClinVar contains an entry for this variant (Variation ID: 1773953). An algorithm developed to predict the effect of missense changes on protein structure and function outputs the following: PolyPhen-2: "Not Available". The leucine amino acid residue is found in multiple mammalian species, which suggests that this missense change does not adversely affect protein function. In summary, the available evidence is currently insufficient to determine the role of this variant in disease. Therefore, it has been classified as a Variant of Uncertain Significance.

Quest Diagnostics Nichols Institute San Juan Capistrano
Classification: Uncertain significance. Last evaluated: 2024-08-09. Review status: criteria provided, single submitter. Criteria: Quest Diagnostics criteria. Collection method: clinical testing. Allele origin: unknown.
Comment: The GALNT12 c.149C>T (p.Pro50Leu) variant has not been reported in individuals with GALNT12-related conditions in the published literature. It also has not been reported in large, multi-ethnic general populations (Genome Aggregation Database). Analysis of this variant using bioinformatics tools for the prediction of the effect of amino acid changes on protein structure and function yielded predictions that this variant is benign. Based on the available information, we are unable to determine the clinical significance of this variant.

Ambry Genetics
Classification: Likely benign. Last evaluated: 2024-03-26. Review status: criteria provided, single submitter. Criteria: Ambry Variant Classification Scheme 2023. Collection method: clinical testing. Allele origin: germline.

Baylor Genetics
Classification: Uncertain significance for Colorectal cancer, susceptibility to, 1. Last evaluated: 2023-05-19. Review status: criteria provided, single submitter. Criteria: ACMG Guidelines, 2015. Collection method: clinical testing. Allele origin: unknown.

NM_024642.5(GALNT12):c.149C>T (p.Pro50Leu)

Gene: GALNT12 (polypeptide N-acetylgalactosaminyltransferase 12; plus strand). Cytogenetic location: 9q22.33.
Variant type: single nucleotide variant.
Coding change: c.149C>T on transcript NM_024642.5 (MANE Select); coding-DNA position 149, C replaced by T.
Protein change: p.Pro50Leu; replaces proline 50 with leucine.
Molecular consequence: missense variant.
Genome position (GRCh38, 1-based): chr9:98,807,847, C>T. VCF-style: chr9-98807847-C-T. GRCh37 (hg19) VCF-style: chr9-101570129-C-T.
Other names: short protein forms P50L.
Identifiers: ClinVar variation 1773953 (VCV001773953.7), dbSNP rs1431572320, ClinGen allele CA374222411.